The following is an entry in ClinVar:

NM_000090.4(COL3A1):c.1378G>T (p.Ala460Ser)

Gene: COL3A1 (collagen type III alpha 1 chain; plus strand). Cytogenetic location: 2q32.2.
Variant type: single nucleotide variant.
Coding change: c.1378G>T on transcript NM_000090.4 (MANE Select); coding-DNA position 1378, G replaced by T.
Protein change: p.Ala460Ser; replaces alanine 460 with serine.
Molecular consequence: missense variant.
Genome position (GRCh38, 1-based): chr2:188,994,754, G>T. VCF-style: chr2-188994754-G-T. GRCh37 (hg19) VCF-style: chr2-189859480-G-T.
Other names: short protein forms A460S.
Identifiers: ClinVar variation 5020744 (VCV005020744.1).

ClinVar aggregate classification (germline): Uncertain significance (1 of 4 stars; one submission).

Submission:

Dasa
Classification: Uncertain significance. Last evaluated: 2026-01-03. Review status: criteria provided, single submitter. Criteria: DASA Assertion Criteria. Collection method: clinical testing. Allele origin: germline.
Comment: NM_000090.4(COL3A1):c.1378G>T (p.Ala460Ser) is a missense variant that results in the substitution of alanine with serine. This variant is rare in population databases. The currently available literature and clinical evidence are not sufficient to establish a definitive association between this variant and the reported condition. Therefore, this variant is classified as a variant of uncertain significance.